The following is an entry in ClinVar:

NM_178161.3(PTF1A):c.357C>G (p.Pro119=)

Gene: PTF1A (pancreas associated transcription factor 1a; plus strand). Cytogenetic location: 10p12.2.
Variant type: single nucleotide variant.
Coding change: c.357C>G on transcript NM_178161.3 (MANE Select); coding-DNA position 357, C replaced by G.
Protein change: p.Pro119=; no amino-acid change (proline 119 retained).
Molecular consequence: synonymous variant.
Genome position (GRCh38, 1-based): chr10:23,192,887, C>G. VCF-style: chr10-23192887-C-G. GRCh37 (hg19) VCF-style: chr10-23481816-C-G.
Identifiers: ClinVar variation 3054289 (VCV003054289.2), dbSNP rs1840910678, ClinGen allele CA468663392.

ClinVar aggregate classification (germline): Likely benign (0 of 4 stars; one submission).

Conditions:
PTF1A-related disorder. Also called: PTF1A-related condition.

gnomAD v4.1: 2 of 1,311,948 alleles (0.00015%); highest among the groups gnomAD compares: Non-Finnish European, 0.00019%; no homozygotes.

Submission:

PreventionGenetics, part of Exact Sciences
Classification: Likely benign for PTF1A-related condition. Last evaluated: 2021-11-18. Review status: no assertion criteria provided. Collection method: clinical testing. Allele origin: germline.
Comment: This variant is classified as likely benign based on ACMG/AMP sequence variant interpretation guidelines (Richards et al. 2015 PMID: 25741868, with internal and published modifications).